The following is an entry in ClinVar:

ClinVar aggregate classification (germline): Uncertain significance. Review status: criteria provided, multiple submitters, no conflicts (2 of 4 stars). 2 submissions from 2 submitters: Uncertain significance (2). Last evaluated 2025-08-20.

Conditions:
Hereditary cancer-predisposing syndrome. Also called: Hereditary neoplastic syndrome; Tumor predisposition; Neoplastic Syndromes, Hereditary; Hereditary Cancer Syndrome. Identifiers: Orphanet 140162, MedGen C0027672, MeSH D009386, MONDO:0015356.
EGFR-related lung cancer (EGFR). Identifiers: MedGen CN130014.

Submissions (2):

Ambry Genetics
Classification: Uncertain significance for Hereditary cancer-predisposing syndrome. Last evaluated: 2025-08-20. Review status: criteria provided, single submitter. Criteria: Ambry Variant Classification Scheme 2023. Collection method: clinical testing. Allele origin: germline.
Comment: The p.L1038V variant (also known as c.3112C>G), located in coding exon 25 of the EGFR gene, results from a C to G substitution at nucleotide position 3112. The leucine at codon 1038 is replaced by valine, an amino acid with highly similar properties. This amino acid position is conserved. In addition, this alteration is predicted to be tolerated by in silico analysis. Based on the available evidence, the clinical significance of this variant remains unclear.

Labcorp Genetics (formerly Invitae), Labcorp
Classification: Uncertain significance for EGFR-related lung cancer. Last evaluated: 2019-11-14. Review status: criteria provided, single submitter. Criteria: Invitae Variant Classification Sherloc (09022015). Collection method: clinical testing. Allele origin: germline.
Comment: In summary, the available evidence is currently insufficient to determine the role of this variant in disease. Therefore, it has been classified as a Variant of Uncertain Significance. Algorithms developed to predict the effect of missense changes on protein structure and function (SIFT, PolyPhen-2, Align-GVGD) all suggest that this variant is likely to be tolerated, but these predictions have not been confirmed by published functional studies and their clinical significance is uncertain. This sequence change replaces leucine with valine at codon 1038 of the EGFR protein (p.Leu1038Val). The leucine residue is moderately conserved and there is a small physicochemical difference between leucine and valine. This variant is not present in population databases (ExAC no frequency). This variant has not been reported in the literature in individuals with EGFR-related conditions.

NM_005228.5(EGFR):c.3112C>G (p.Leu1038Val)

Gene: EGFR (epidermal growth factor receptor; plus strand). Cytogenetic location: 7p11.2.
Variant type: single nucleotide variant.
Coding change: c.3112C>G on transcript NM_005228.5 (MANE Select); coding-DNA position 3112, C replaced by G.
Protein change: p.Leu1038Val; replaces leucine 1038 with valine.
Molecular consequence: missense variant.
Genome position (GRCh38, 1-based): chr7:55,201,353, C>G. VCF-style: chr7-55201353-C-G. GRCh37 (hg19) VCF-style: chr7-55269046-C-G.
Other names: c.2977C>G, p.Leu993Val (NM_001346897.2, NM_001346899.2); c.3112C>G, p.Leu1038Val (NM_001346898.2); c.2953C>G, p.Leu985Val (NM_001346900.2); c.2311C>G, p.Leu771Val (NM_001346941.2); short protein forms L1038V, L993V, L771V, L985V.
Identifiers: ClinVar variation 956569 (VCV000956569.10), dbSNP rs138104726, ClinGen allele CA367582811.